The following is an entry in ClinVar:

NM_014714.4(IFT140):c.215C>T (p.Thr72Met)

Genes: IFT140 (intraflagellar transport 140; minus strand), LOC105371046 (uncharacterized LOC105371046; plus strand). Cytogenetic location: 16p13.3.
Variant type: single nucleotide variant.
Coding change: c.215C>T on transcript NM_014714.4 (MANE Select); coding-DNA position 215, C replaced by T.
Protein change: p.Thr72Met; replaces threonine 72 with methionine.
Molecular consequence: missense variant.
Genome position (GRCh38, 1-based): chr16:1,602,524, G>A on the plus strand (C>T on the coding strand, the complement: IFT140 is on the minus strand). VCF-style: chr16-1602524-G-A. GRCh37 (hg19) VCF-style: chr16-1652525-G-A.
Other names: c.215C>T (NM_014714.3); short protein forms T72M.
Identifiers: ClinVar variation 1006071 (VCV001006071.11), dbSNP rs774892063, ClinGen allele CA7814775.
Genomic context (GRCh38, chr16:1,602,524, plus strand): 5'-TCCTGCTTGTTAAACACCGTCACTTCTCCAGTCTCCCAGCCCACAGCCAGCACCAGCCGC[G>A]TCGGGTGCCAGCACAGGGAAGCAACCCGGAACGGCCTCTCGACGTGTGTATCTGGCACGC-3'
Protein context (NP_055529.2, residues 62-82): FRVASLCWHP[Thr72Met]RLVLAVGWET

ClinVar aggregate classification (germline): Conflicting classifications of pathogenicity. Review status: criteria provided, conflicting classifications (1 of 4 stars). 5 submissions from 5 submitters: Uncertain significance (3); Benign (1); Likely benign (1). Last evaluated 2026-03-05.

Conditions:
Retinitis pigmentosa 80 (RP80). Identifiers: MedGen C4540439, MONDO:0054708, OMIM 617781.
Saldino-Mainzer syndrome (SRTD9). Also called: CONORENAL SYNDROME; Renal dysplasia, retinal pigmentary dystrophy, cerebellar ataxia and skeletal dysplasia; short-rib thoracic dysplasia 9 with or without polydactyly; SHORT-RIB THORACIC DYSPLASIA 9 WITHOUT POLYDACTYLY. Identifiers: Orphanet 140969, MedGen C1849437, MONDO:0009964, OMIM 266920.
Retinal dystrophy. Also called: Inherited retinal dystrophy. Identifiers: Orphanet 71862, MedGen C0854723, MeSH D058499, MONDO:0019118, HP:0000556.

Allele frequency attached by ClinVar (database versions not stated): TOPMed 0.00002; gnomAD 0.00003; gnomAD exomes 0.00003 and 0.00005; ExAC 0.00006.
gnomAD v4.1: 44 of 1,613,984 alleles (0.0027%); highest among the groups gnomAD compares: East Asian, 0.071%; no homozygotes.

Submissions (5):

GeneDx
Classification: Uncertain significance. Last evaluated: 2026-03-05. Review status: criteria provided, single submitter. Criteria: GeneDx Variant Classification Process June 2021. Collection method: clinical testing. Allele origin: germline.
Comment: In silico analysis supports that this missense variant has a deleterious effect on protein structure/function; Has not been previously published as pathogenic or benign to our knowledge

Labcorp Genetics (formerly Invitae), Labcorp
Classification: Likely benign for Saldino-Mainzer syndrome. Last evaluated: 2026-01-20. Review status: criteria provided, single submitter. Criteria: Invitae Variant Classification Sherloc (09022015). Collection method: clinical testing. Allele origin: germline.

Fulgent Genetics
Classification: Uncertain significance for Saldino-Mainzer syndrome; Retinitis pigmentosa 80. Last evaluated: 2024-05-28. Review status: criteria provided, single submitter. Criteria: ACMG Guidelines, 2015. Collection method: clinical testing. Allele origin: germline.

Dept Of Ophthalmology, Nagoya University
Classification: Uncertain significance for Retinal dystrophy. Last evaluated: 2023-10-01. Review status: criteria provided, single submitter. Criteria: Submitter's publication. Collection method: research. Allele origin: germline. Affected: yes.

Blueprint Genetics
Classification: Benign. Last evaluated: 2022-12-19. Review status: criteria provided, single submitter. Criteria: ACMG Guidelines, 2015. Collection method: clinical testing. Allele origin: germline.